The following is an entry in ClinVar:

NM_000132.4(F8):c.5961dup (p.Glu1988fs)

Gene: F8 (coagulation factor VIII; minus strand). Cytogenetic location: Xq28.
Variant type: Duplication.
Coding change: c.5961dup on transcript NM_000132.4 (MANE Select); coding-DNA position 5961, one base duplicated (A; older notation c.5961dupA).
Protein change: p.Glu1988fs; shifts the reading frame from glutamic acid 1988.
Molecular consequence: frameshift variant.
Genome position (GRCh38, 1-based): chrX:154,903,943, T duplicated on the plus strand (A on the coding strand, the reverse complement: F8 is on the minus strand); the first of 7 consecutive T bases (chrX:154,903,943-154,903,949); duplicating any one gives the same sequence. VCF-style (leftmost placement, unchanged base first): chrX-154903942-C-CT. GRCh37 (hg19) VCF-style: chrX-154132217-C-CT.
Other names: c.5961dup (NM_000132.3); short protein forms E1988fs.
Identifiers: ClinVar variation 2428612 (VCV002428612.4), dbSNP rs387906460, ClinGen allele CA645251974.

ClinVar aggregate classification (germline): Pathogenic. Review status: criteria provided, multiple submitters, no conflicts (2 of 4 stars). 2 submissions from 2 submitters: Pathogenic (2). Last evaluated 2024-05-10.

Conditions:
Thrombophilia, X-linked, due to factor 8 defect. Also called: THROMBOPHILIA, X-LINKED, DUE TO FACTOR VIII DEFECT; Thrombophilia 13, X-linked, due to factor VIII defect. Identifiers: MedGen C5676879, MONDO:0859082, OMIM 301071.
Hereditary factor VIII deficiency disease (HEMA). Also called: Hemophilia A, congenital; HEM A; Factor 8 deficiency, congenital; HEMOPHILIA, CLASSIC; AUTOSOMAL HEMOPHILIA A; Hemophilia A. Identifiers: Orphanet 98878, MedGen C0019069, MONDO:0010602, OMIM 306700.

Submissions (2):

Fulgent Genetics
Classification: Pathogenic for Thrombophilia, X-linked, due to factor 8 defect; Hereditary factor VIII deficiency disease. Last evaluated: 2024-05-10. Review status: criteria provided, single submitter. Criteria: ACMG Guidelines, 2015. Collection method: clinical testing. Allele origin: germline.

ARUP Laboratories, Molecular Genetics and Genomics, ARUP Laboratories
Classification: Pathogenic. Last evaluated: 2022-07-12. Review status: criteria provided, single submitter. Criteria: ARUP Molecular Germline Variant Investigation Process 2021. Collection method: clinical testing. Allele origin: germline.
Comment: The F8 c.5961dupA; p.Glu1988ArgfsTer4 variant (rs387906460) is reported in multiple individuals with severe hemophilia A (see Factor VIII database, Feng 2021, Kang 2021, Villarreal-Martinez 2020). This variant is absent from the Genome Aggregation Database, indicating it is not a common polymorphism. This variant causes a frameshift by inserting a single nucleotide, so it is predicted to result in a truncated protein or mRNA subject to nonsense-mediated decay. Based on available information, this variant is considered to be pathogenic. References: Link to Factor VIII Variant database: Feng Y et al. Mutation analysis in the F8 gene in 485 families with haemophilia A and prenatal diagnosis in China. Haemophilia. 2021 Jan;27(1):e88-e92. PMID: 33245802 Kang H et al. FVIII inhibitor risk correlated with F8 gene variants in 296 unrelated male Chinese patients with haemophilia A. Haemophilia. 2021 Mar;27(2):e274-e277. PMID: 32897612 Villarreal-Martinez L et al. Molecular genetic diagnosis by next-generation sequencing in a cohort of Mexican patients with haemophilia and report of novel variants. Blood Cells Mol Dis. 2020 Jul;83:102423. PMID: 32224444